The following is an entry in ClinVar:

ClinVar aggregate classification (germline): Uncertain significance. Review status: criteria provided, multiple submitters, no conflicts (2 of 4 stars). 5 submissions from 5 submitters: Uncertain significance (5). Last evaluated 2024-09-06.

Conditions:
Primary familial hypertrophic cardiomyopathy (HCM). Identifiers: Orphanet 99739, MedGen C0949658, MeSH D024741, MONDO:0024573. Inheritance: Various modes of inheritance.
Dilated cardiomyopathy 1AA (CMD1AA). Also called: CARDIOMYOPATHY, DILATED, 1AA, WITH OR WITHOUT LEFT VENTRICULAR NONCOMPACTION; CARDIOMYOPATHY, FAMILIAL HYPERTROPHIC, 23, WITH OR WITHOUT LEFT VENTRICULAR NONCOMPACTION; Cardiomyopathy, dilated, 1AA, with or without LVNC. Identifiers: Orphanet 154, MedGen C2677338, MONDO:0012808, OMIM 612158.
Cardiomyopathy (CMYO). Also called: Cardiomyopathies. Identifiers: Orphanet 167848, MedGen C0878544, MONDO:0004994, HP:0001638. Inheritance: Various modes of inheritance.

Allele frequency attached by ClinVar (database versions not stated): gnomAD exomes below 0.00001; TOPMed below 0.00001; gnomAD 0.00001.
gnomAD v4.1: 7 of 1,614,102 alleles (0.00043%); highest among the groups gnomAD compares: Middle Eastern, 0.016%; no homozygotes.

Submissions (5):

Revvity Omics, Revvity
Classification: Uncertain significance. Last evaluated: 2024-09-06. Review status: criteria provided, single submitter. Criteria: ACMG Guidelines, 2015. Collection method: clinical testing. Allele origin: germline.

Blueprint Genetics
Classification: Uncertain significance. Last evaluated: 2022-08-10. Review status: criteria provided, single submitter. Criteria: ACMG Guidelines, 2015. Collection method: clinical testing. Allele origin: germline.

Labcorp Genetics (formerly Invitae), Labcorp
Classification: Uncertain significance for Primary familial hypertrophic cardiomyopathy; Dilated cardiomyopathy 1AA. Last evaluated: 2022-07-14. Review status: criteria provided, single submitter. Criteria: Invitae Variant Classification Sherloc (09022015). Collection method: clinical testing. Allele origin: germline.
Comment: This sequence change replaces alanine, which is neutral and non-polar, with threonine, which is neutral and polar, at codon 259 of the ACTN2 protein (p.Ala259Thr). This variant is not present in population databases (gnomAD no frequency). This variant has not been reported in the literature in individuals affected with ACTN2-related conditions. ClinVar contains an entry for this variant (Variation ID: 635218). Advanced modeling of protein sequence and biophysical properties (such as structural, functional, and spatial information, amino acid conservation, physicochemical variation, residue mobility, and thermodynamic stability) performed at Invitae indicates that this missense variant is expected to disrupt ACTN2 protein function. In summary, the available evidence is currently insufficient to determine the role of this variant in disease. Therefore, it has been classified as a Variant of Uncertain Significance.

CHEO Genetics Diagnostic Laboratory, Children's Hospital of Eastern Ontario
Classification: Uncertain significance for Cardiomyopathy. Last evaluated: 2020-06-15. Review status: criteria provided, single submitter. Criteria: ACMG Guidelines, 2015. Collection method: clinical testing. Allele origin: germline.

Stanford Center for Inherited Cardiovascular Disease, Stanford University
Classification: Uncertain significance. Last evaluated: 2015-11-04. Review status: criteria provided, single submitter. Criteria: ACMG Guidelines, 2015. Collection method: provider interpretation. Allele origin: germline.

NM_001103.4(ACTN2):c.775G>A (p.Ala259Thr)

Gene: ACTN2 (actinin alpha 2; plus strand). Cytogenetic location: 1q43.
Variant type: single nucleotide variant.
Coding change: c.775G>A on transcript NM_001103.4 (MANE Select); coding-DNA position 775, G replaced by A.
Protein change: p.Ala259Thr; replaces alanine 259 with threonine.
Molecular consequence: missense variant. On other transcripts: intron variant (1).
Genome position (GRCh38, 1-based): chr1:236,735,712, G>A. VCF-style: chr1-236735712-G-A. GRCh37 (hg19) VCF-style: chr1-236899012-G-A.
Other names: c.775G>A (NM_001103.3); c.40G>A, p.Ala14Thr (NM_001278344.2); c.783+1194G>A (NM_001278343.2); short protein forms A259T, A14T.
Identifiers: ClinVar variation 635218 (VCV000635218.12), dbSNP rs574401232, ClinGen allele CA39722598.
Genomic context (GRCh38, chr1:236,735,712, plus strand): 5'-AAACCCGATGAAAGAGCCATCATGACGTACGTCTCTTGCTTCTACCACGCTTTTGCGGGC[G>A]CGGAGCAGGTACTCAACACTTGTCCGTCCGGGCTGTTGTGTTACTCTCTGTTGGTTTTAG-3'
Protein context (NP_001094.1, residues 249-269): VSCFYHAFAG[Ala259Thr]EQAETAANRI